The following is an entry in ClinVar:

ClinVar aggregate classification (germline): Uncertain significance. Review status: criteria provided, multiple submitters, no conflicts (2 of 4 stars). 3 submissions from 3 submitters: Uncertain significance (3). Last evaluated 2025-03-05.

Conditions:
Retinoblastoma (RB1). Also called: RETINOBLASTOMA, SOMATIC. Identifiers: Orphanet 790, MedGen C0035335, MeSH D012175, MONDO:0008380, OMIM 180200, HP:0009919. Disease mechanism: loss of function. Inheritance: Both sporadic and heritable forms are tested..
Hereditary cancer-predisposing syndrome. Also called: Neoplastic Syndromes, Hereditary; Tumor predisposition; Hereditary neoplastic syndrome; Hereditary Cancer Syndrome. Identifiers: Orphanet 140162, MedGen C0027672, MeSH D009386, MONDO:0015356.
Malignant tumor of urinary bladder. Also called: Bladder cancer; Urinary bladder cancer; Urinary Bladder Neoplasms. Identifiers: MedGen C0005684, MONDO:0001187, OMIM 109800.

Allele frequency attached by ClinVar (database versions not stated): gnomAD exomes below 0.00001; TOPMed below 0.00001.
gnomAD v4.1: 3 of 1,612,530 alleles (0.00019%); highest among the groups gnomAD compares: Non-Finnish European, 0.00025%; no homozygotes.

Submissions (3):

Ambry Genetics
Classification: Uncertain significance for Hereditary cancer-predisposing syndrome. Last evaluated: 2025-03-05. Review status: criteria provided, single submitter. Criteria: Ambry Variant Classification Scheme 2023. Collection method: clinical testing. Allele origin: germline.
Comment: The p.S230L variant (also known as c.689C>T), located in coding exon 7 of the RB1 gene, results from a C to T substitution at nucleotide position 689. The serine at codon 230 is replaced by leucine, an amino acid with dissimilar properties. This amino acid position is conserved. In addition, the in silico prediction for this alteration is inconclusive. Since supporting evidence is limited at this time, the clinical significance of this alteration remains unclear.

Labcorp Genetics (formerly Invitae), Labcorp
Classification: Uncertain significance for Retinoblastoma. Last evaluated: 2024-10-15. Review status: criteria provided, single submitter. Criteria: Invitae Variant Classification Sherloc (09022015). Collection method: clinical testing. Allele origin: germline.
Comment: This sequence change replaces serine, which is neutral and polar, with leucine, which is neutral and non-polar, at codon 230 of the RB1 protein (p.Ser230Leu). This variant is not present in population databases (gnomAD no frequency). This variant has not been reported in the literature in individuals affected with RB1-related conditions. ClinVar contains an entry for this variant (Variation ID: 660863). Invitae Evidence Modeling of protein sequence and biophysical properties (such as structural, functional, and spatial information, amino acid conservation, physicochemical variation, residue mobility, and thermodynamic stability) has been performed for this missense variant. However, the output from this modeling did not meet the statistical confidence thresholds required to predict the impact of this variant on RB1 protein function. In summary, the available evidence is currently insufficient to determine the role of this variant in disease. Therefore, it has been classified as a Variant of Uncertain Significance.

Baylor Genetics
Classification: Uncertain significance for Malignant tumor of urinary bladder. Last evaluated: 2023-12-20. Review status: criteria provided, single submitter. Criteria: ACMG Guidelines, 2015. Collection method: clinical testing. Allele origin: unknown.

NM_000321.3(RB1):c.689C>T (p.Ser230Leu)

Gene: RB1 (RB transcriptional corepressor 1; plus strand). Cytogenetic location: 13q14.2.
Variant type: single nucleotide variant.
Coding change: c.689C>T on transcript NM_000321.3 (MANE Select); coding-DNA position 689, C replaced by T.
Protein change: p.Ser230Leu; replaces serine 230 with leucine.
Molecular consequence: missense variant.
Genome position (GRCh38, 1-based): chr13:48,360,098, C>T. VCF-style: chr13-48360098-C-T. GRCh37 (hg19) VCF-style: chr13-48934234-C-T.
Other names: short protein forms S230L.
Identifiers: ClinVar variation 660863 (VCV000660863.13), dbSNP rs1459523811, ClinGen allele CA388158506.
Genomic context (GRCh38, chr13:48,360,098, plus strand): 5'-ATGATCTGGTGATTTCATTTCAGTTAATGCTATGTGTCCTTGACTATTTTATTAAACTCT[C>T]ACCTCCCATGTTGCTCAAAGAACCATATAGTAAGTATTTAATTTATGCCCCTTTTACTTT-3'
Protein context (NP_000312.2, residues 220-240): LCVLDYFIKL[Ser230Leu]PPMLLKEPYK